The following is an entry in ClinVar:

ClinVar aggregate classification (germline): Pathogenic (1 of 4 stars; one submission).

Conditions:
Meckel-Gruber syndrome. Also called: GRUBER SYNDROME; DYSENCEPHALIA SPLANCHNOCYSTICA; Dysencephalia splachnocystica. Identifiers: Orphanet 564, MedGen C0265215, MONDO:0018921.
Joubert syndrome. Also called: Familial aplasia of the vermis; JOUBERT-BOLTSHAUSER SYNDROME; CEREBELLOPARENCHYMAL DISORDER IV. Identifiers: Orphanet 475, MedGen C5979921, MONDO:0018772.
Nephronophthisis. Also called: Juvenile Nephronophthisis. Identifiers: Orphanet 655, MedGen C0687120, MONDO:0019005, HP:0000090.

Submission:

Labcorp Genetics (formerly Invitae), Labcorp
Classification: Pathogenic for Joubert syndrome; Meckel-Gruber syndrome; Nephronophthisis. Last evaluated: 2025-08-02. Review status: criteria provided, single submitter. Criteria: Invitae Variant Classification Sherloc (09022015). Collection method: clinical testing. Allele origin: germline.
Comment: This sequence change creates a premature translational stop signal (p.Glu1381*) in the CEP290 gene. It is expected to result in an absent or disrupted protein product. Loss-of-function variants in CEP290 are known to be pathogenic (PMID: 16909394, 17345604, 20690115). This variant is not present in population databases (gnomAD no frequency). This premature translational stop signal has been observed in individual(s) with Senior-Loken syndrome (PMID: 32208788). Algorithms developed to predict the effect of sequence changes on RNA splicing suggest that this variant may disrupt the consensus splice site. For these reasons, this variant has been classified as Pathogenic.

Literature cited by the submitters: PubMed 16909394; PubMed 17345604; PubMed 20690115; PubMed 32208788.

NM_025114.4(CEP290):c.4141G>T (p.Glu1381Ter)

Gene: CEP290 (centrosomal protein 290; minus strand). Cytogenetic location: 12q21.32.
Variant type: single nucleotide variant.
Coding change: c.4141G>T on transcript NM_025114.4 (MANE Select); coding-DNA position 4141, G replaced by T.
Protein change: p.Glu1381Ter; replaces glutamic acid 1381 with a stop codon.
Molecular consequence: nonsense.
Genome position (GRCh38, 1-based): chr12:88,087,833, C>A on the plus strand (G>T on the coding strand, the complement: CEP290 is on the minus strand). VCF-style: chr12-88087833-C-A. GRCh37 (hg19) VCF-style: chr12-88481610-C-A.
Other names: short protein forms E1381*.
Identifiers: ClinVar variation 4791949 (VCV004791949.1).